The following is an entry in ClinVar:

NM_000540.3(RYR1):c.14419_14420inv (p.Asn4807Phe)

Gene: RYR1 (ryanodine receptor 1; plus strand). Cytogenetic location: 19q13.2.
Variant type: Inversion.
Coding change: c.14419_14420inv on transcript NM_000540.3 (MANE Select).
Protein change: p.Asn4807Phe; replaces asparagine 4807 with phenylalanine.
Molecular consequence: missense variant.
Genome position: GRCh38 VCF-style: chr19-38580036-AA-TT. GRCh37 (hg19) VCF-style: chr19-39070676-AA-TT.
Other names: c.14404_14405inv, p.Asn4802Phe (NM_001042723.2); short protein forms N4802F, N4807F.
Identifiers: ClinVar variation 3624424 (VCV003624424.2).

ClinVar aggregate classification (germline): Uncertain significance (1 of 4 stars; one submission).

Conditions:
RYR1-related disorder. Also called: RYR1-related condition; RYR1-related disorders. Identifiers: MedGen CN239331.

Submission:

Labcorp Genetics (formerly Invitae), Labcorp
Classification: Uncertain significance for RYR1-related disorder. Last evaluated: 2025-11-17. Review status: criteria provided, single submitter. Criteria: Invitae Variant Classification Sherloc (09022015). Collection method: clinical testing. Allele origin: germline.
Comment: This sequence change replaces asparagine, which is neutral and polar, with phenylalanine, which is neutral and non-polar, at codon 4807 of the RYR1 protein (p.Asn4807Phe). Information on the frequency of this variant in the gnomAD database is not available, as this variant may be reported differently in the database. This missense change has been observed in individual(s) with autosomal dominant RYR1-related conditions (PMID: 24561095, 33170376). Experimental studies and prediction algorithms are not available or were not evaluated, and the functional significance of this variant is currently unknown. In summary, the available evidence is currently insufficient to determine the role of this variant in disease. Therefore, it has been classified as a Variant of Uncertain Significance.

Literature cited by the submitters: PubMed 24561095; PubMed 33170376.